The following is an entry in ClinVar:

ClinVar aggregate classification (germline): Uncertain significance (1 of 4 stars; one submission).

Allele frequency attached by ClinVar (database versions not stated): gnomAD exomes 0.00001.
gnomAD v4.1: 8 of 1,614,218 alleles (0.0005%); highest among the groups gnomAD compares: South Asian, 0.0011%; no homozygotes.

Submission:

Labcorp Genetics (formerly Invitae), Labcorp
Classification: Uncertain significance. Last evaluated: 2025-06-14. Review status: criteria provided, single submitter. Criteria: Invitae Variant Classification Sherloc (09022015). Collection method: clinical testing. Allele origin: germline.
Comment: This sequence change replaces arginine, which is basic and polar, with histidine, which is basic and polar, at codon 739 of the MCM4 protein (p.Arg739His). This variant is not present in population databases (gnomAD no frequency). This variant has not been reported in the literature in individuals affected with MCM4-related conditions. ClinVar contains an entry for this variant (Variation ID: 1525640). Invitae Evidence Modeling of protein sequence and biophysical properties (such as structural, functional, and spatial information, amino acid conservation, physicochemical variation, residue mobility, and thermodynamic stability) indicates that this missense variant is expected to disrupt MCM4 protein function with a positive predictive value of 80%. In summary, the available evidence is currently insufficient to determine the role of this variant in disease. Therefore, it has been classified as a Variant of Uncertain Significance.

NM_182746.3(MCM4):c.2216G>A (p.Arg739His)

Gene: MCM4 (minichromosome maintenance complex component 4; plus strand). Cytogenetic location: 8q11.21.
Variant type: single nucleotide variant.
Coding change: c.2216G>A on transcript NM_182746.3 (MANE Select); coding-DNA position 2216, G replaced by A.
Protein change: p.Arg739His; replaces arginine 739 with histidine.
Molecular consequence: missense variant.
Genome position (GRCh38, 1-based): chr8:47,974,813, G>A. VCF-style: chr8-47974813-G-A. GRCh37 (hg19) VCF-style: chr8-48887373-G-A.
Other names: c.2216G>A, p.Arg739His (NM_005914.4); short protein forms R739H.
Identifiers: ClinVar variation 1525640 (VCV001525640.6), dbSNP rs774112633, ClinGen allele CA176158796.